The following is an entry in ClinVar:

NM_000059.4(BRCA2):c.10049A>T (p.Gln3350Leu)

Gene: BRCA2 (BRCA2 DNA repair associated; plus strand). Cytogenetic location: 13q13.1.
Variant type: single nucleotide variant.
Coding change: c.10049A>T on transcript NM_000059.4 (MANE Select); coding-DNA position 10049, A replaced by T.
Protein change: p.Gln3350Leu; replaces glutamine 3350 with leucine.
Molecular consequence: missense variant. On other transcripts: non-coding transcript variant (1).
Genome position (GRCh38, 1-based): chr13:32,398,562, A>T. VCF-style: chr13-32398562-A-T. GRCh37 (hg19) VCF-style: chr13-32972699-A-T.
Other names: c.9953A>T, p.Gln3318Leu (NM_001406719.1); c.9998A>T, p.Gln3333Leu (NM_001406720.1); c.5117A>T, p.Gln1706Leu (NM_001406721.1); c.3632A>T, p.Gln1211Leu (NM_001406722.1); short protein forms Q3333L, Q1706L, Q3350L, Q1211L, Q3318L.
Identifiers: ClinVar variation 2765364 (VCV002765364.3), dbSNP rs1555290029, ClinGen allele CA387767830.

ClinVar aggregate classification (germline): Uncertain significance (1 of 4 stars; one submission).

Conditions:
Hereditary breast ovarian cancer syndrome. Also called: Hereditary breast and ovarian cancer syndrome; Hereditary breast and/or ovarian cancer syndrome; BRCA1- and BRCA2-Associated Hereditary Breast and Ovarian Cancer; Hereditary breast and ovarian cancer; Breast and ovarian cancer; Hereditary breast and ovarian cancer syndrome (HBOC). Identifiers: Orphanet 145, MedGen C0677776, MeSH D061325, MONDO:0003582. Disease mechanism: loss of function.

Submission:

Labcorp Genetics (formerly Invitae), Labcorp
Classification: Uncertain significance for Hereditary breast ovarian cancer syndrome. Last evaluated: 2024-05-08. Review status: criteria provided, single submitter. Criteria: Invitae Variant Classification Sherloc (09022015). Collection method: clinical testing. Allele origin: germline.
Comment: This sequence change replaces glutamine, which is neutral and polar, with leucine, which is neutral and non-polar, at codon 3350 of the BRCA2 protein (p.Gln3350Leu). This variant is not present in population databases (gnomAD no frequency). This variant has not been reported in the literature in individuals affected with BRCA2-related conditions. Advanced modeling of protein sequence and biophysical properties (such as structural, functional, and spatial information, amino acid conservation, physicochemical variation, residue mobility, and thermodynamic stability) performed at Invitae indicates that this missense variant is not expected to disrupt BRCA2 protein function with a negative predictive value of 95%. In summary, the available evidence is currently insufficient to determine the role of this variant in disease. Therefore, it has been classified as a Variant of Uncertain Significance.